The following is an entry in ClinVar:

ClinVar aggregate classification (germline): Uncertain significance. Review status: criteria provided, single submitter (1 of 4 stars). 2 submissions from 2 submitters: Uncertain significance (1). 1 of the submissions does not count toward it. Last evaluated 2022-02-18.

Conditions:
IFT74-related disorder. Also called: IFT74-Related Disorders; IFT74-related condition.

gnomAD v4.1: 20 of 1,574,200 alleles (0.0013%); highest among the groups gnomAD compares: Non-Finnish European, 0.0017%; no homozygotes.

Submissions (2):

Labcorp Genetics (formerly Invitae), Labcorp
Classification: Uncertain significance. Last evaluated: 2022-02-18. Review status: criteria provided, single submitter. Criteria: Invitae Variant Classification Sherloc (09022015). Collection method: clinical testing. Allele origin: germline.
Comment: This variant is present in population databases (rs764366835, gnomAD 0.001%). In summary, the available evidence is currently insufficient to determine the role of this variant in disease. Therefore, it has been classified as a Variant of Uncertain Significance. Algorithms developed to predict the effect of missense changes on protein structure and function are either unavailable or do not agree on the potential impact of this missense change (SIFT: "Tolerated"; PolyPhen-2: "Possibly Damaging"; Align-GVGD: "Class C0"). This variant has not been reported in the literature in individuals affected with IFT74-related conditions. This sequence change replaces glutamine, which is neutral and polar, with histidine, which is basic and polar, at codon 447 of the IFT74 protein (p.Gln447His).

PreventionGenetics, part of Exact Sciences
Classification: Uncertain significance for IFT74-related condition. Last evaluated: 2024-07-18. Review status: no assertion criteria provided. Collection method: clinical testing. Allele origin: germline. Not counted in ClinVar's aggregate classification.
Comment: The IFT74 c.1341A>C variant is predicted to result in the amino acid substitution p.Gln447His. To our knowledge, this variant has not been reported in the literature. This variant is reported in 0.00098% of alleles in individuals of European (Non-Finnish) descent in gnomAD. At this time, the clinical significance of this variant is uncertain due to the absence of conclusive functional and genetic evidence.

NM_025103.4(IFT74):c.1341A>C (p.Gln447His)

Gene: IFT74 (intraflagellar transport 74; plus strand). Cytogenetic location: 9p21.2.
Variant type: single nucleotide variant.
Coding change: c.1341A>C on transcript NM_025103.4 (MANE Select); coding-DNA position 1341, A replaced by C.
Protein change: p.Gln447His; replaces glutamine 447 with histidine.
Molecular consequence: missense variant.
Genome position (GRCh38, 1-based): chr9:27,055,616, A>C. VCF-style: chr9-27055616-A-C. GRCh37 (hg19) VCF-style: chr9-27055614-A-C.
Other names: c.1341A>C (NM_025103.2); c.1341A>C, p.Gln447His (NM_001099222.3, NM_001099223.3, NM_001349928.2); short protein forms Q447H.
Identifiers: ClinVar variation 1963156 (VCV001963156.6), dbSNP rs764366835, ClinGen allele CA5015648.